The following is an entry in ClinVar:

NM_003803.4(MYOM1):c.1121G>A (p.Gly374Glu)

Gene: MYOM1 (myomesin 1; minus strand). Cytogenetic location: 18p11.31.
Variant type: single nucleotide variant.
Coding change: c.1121G>A on transcript NM_003803.4 (MANE Select); coding-DNA position 1121, G replaced by A.
Protein change: p.Gly374Glu; replaces glycine 374 with glutamic acid.
Molecular consequence: missense variant.
Genome position (GRCh38, 1-based): chr18:3,173,991, C>T on the plus strand (G>A on the coding strand, the complement: MYOM1 is on the minus strand). VCF-style: chr18-3173991-C-T. GRCh37 (hg19) VCF-style: chr18-3173989-C-T.
Other names: c.1121G>A, p.Gly374Glu (NM_019856.2); short protein forms G374E.
Identifiers: ClinVar variation 2039499 (VCV002039499.4), dbSNP rs2510699579, ClinGen allele CA401715584.

ClinVar aggregate classification (germline): Uncertain significance (1 of 4 stars; one submission).

Conditions:
Hypertrophic cardiomyopathy. Also called: HYPERTROPHIC MYOCARDIOPATHY. Identifiers: Orphanet 217569, MedGen C0007194, MeSH D002312, MONDO:0005045, HP:0001639.

Allele frequency attached by ClinVar (database versions not stated): gnomAD exomes below 0.00001.

Submission:

Labcorp Genetics (formerly Invitae), Labcorp
Classification: Uncertain significance for Hypertrophic cardiomyopathy. Last evaluated: 2022-03-22. Review status: criteria provided, single submitter. Criteria: Invitae Variant Classification Sherloc (09022015). Collection method: clinical testing. Allele origin: germline.
Comment: In summary, the available evidence is currently insufficient to determine the role of this variant in disease. Therefore, it has been classified as a Variant of Uncertain Significance. Algorithms developed to predict the effect of missense changes on protein structure and function are either unavailable or do not agree on the potential impact of this missense change (SIFT: "Tolerated"; PolyPhen-2: "Possibly Damaging"; Align-GVGD: "Class C0"). This variant has not been reported in the literature in individuals affected with MYOM1-related conditions. This variant is not present in population databases (gnomAD no frequency). This sequence change replaces glycine, which is neutral and non-polar, with glutamic acid, which is acidic and polar, at codon 374 of the MYOM1 protein (p.Gly374Glu).